The following is an entry in ClinVar:

NM_019892.6(INPP5E):c.806G>A (p.Arg269His)

Gene: INPP5E (inositol polyphosphate-5-phosphatase E; minus strand). Cytogenetic location: 9q34.3.
Variant type: single nucleotide variant.
Coding change: c.806G>A on transcript NM_019892.6 (MANE Select); coding-DNA position 806, G replaced by A.
Protein change: p.Arg269His; replaces arginine 269 with histidine.
Molecular consequence: missense variant.
Genome position (GRCh38, 1-based): chr9:136,438,614, C>T on the plus strand (G>A on the coding strand, the complement: INPP5E is on the minus strand). VCF-style: chr9-136438614-C-T. GRCh37 (hg19) VCF-style: chr9-139333066-C-T.
Other names: c.806G>A, p.Arg269His (NM_001318502.2); short protein forms R269H.
Identifiers: ClinVar variation 4275609 (VCV004275609.2).

ClinVar aggregate classification (germline): Uncertain significance. Review status: criteria provided, multiple submitters, no conflicts (2 of 4 stars). 2 submissions from 2 submitters: Uncertain significance (2). Last evaluated 2025-07-15.

Conditions:
Joubert syndrome. Also called: CEREBELLOPARENCHYMAL DISORDER IV; JOUBERT-BOLTSHAUSER SYNDROME; Familial aplasia of the vermis. Identifiers: Orphanet 475, MedGen C5979921, MONDO:0018772.
Inborn genetic diseases. Identifiers: MedGen C0950123, MeSH D030342.

gnomAD v4.1: 3 of 1,558,204 alleles (0.00019%); highest among the groups gnomAD compares: Non-Finnish European, 0.00026%; no homozygotes.

Submissions (2):

Ambry Genetics
Classification: Uncertain significance for Inborn genetic diseases. Last evaluated: 2025-07-15. Review status: criteria provided, single submitter. Criteria: Ambry Variant Classification Scheme 2023. Collection method: clinical testing. Allele origin: germline.

Labcorp Genetics (formerly Invitae), Labcorp
Classification: Uncertain significance for Joubert syndrome. Last evaluated: 2025-05-04. Review status: criteria provided, single submitter. Criteria: Invitae Variant Classification Sherloc (09022015). Collection method: clinical testing. Allele origin: germline.
Comment: This sequence change replaces arginine, which is basic and polar, with histidine, which is basic and polar, at codon 269 of the INPP5E protein (p.Arg269His). This variant is not present in population databases (gnomAD no frequency). This variant has not been reported in the literature in individuals affected with INPP5E-related conditions. Invitae Evidence Modeling of protein sequence and biophysical properties (such as structural, functional, and spatial information, amino acid conservation, physicochemical variation, residue mobility, and thermodynamic stability) has been performed for this missense variant. However, the output from this modeling did not meet the statistical confidence thresholds required to predict the impact of this variant on INPP5E protein function. In summary, the available evidence is currently insufficient to determine the role of this variant in disease. Therefore, it has been classified as a Variant of Uncertain Significance.